The following is an entry in ClinVar:

NM_001267550.2(TTN):c.89178C>G (p.Tyr29726Ter)

Genes: TTN (titin; minus strand), TTN-AS1 (TTN antisense RNA 1; plus strand). Cytogenetic location: 2q31.2.
Variant type: single nucleotide variant.
Coding change: c.89178C>G on transcript NM_001267550.2 (MANE Select); coding-DNA position 89178, C replaced by G.
Protein change: p.Tyr29726Ter; replaces tyrosine 29726 with a stop codon.
Molecular consequence: nonsense.
Genome position (GRCh38, 1-based): chr2:178,553,933, G>C on the plus strand (C>G on the coding strand, the complement: TTN is on the minus strand). VCF-style: chr2-178553933-G-C. GRCh37 (hg19) VCF-style: chr2-179418660-G-C.
Other names: c.84255C>G, p.Tyr28085Ter (NM_001256850.1); c.61983C>G, p.Tyr20661Ter (NM_003319.4); c.81474C>G, p.Tyr27158Ter (NM_133378.4); c.62358C>G, p.Tyr20786Ter (NM_133432.3); c.62559C>G, p.Tyr20853Ter (NM_133437.4); short protein forms Y20661*, Y20786*, Y20853*, Y27158*, Y29726*, Y28085*.
Identifiers: ClinVar variation 2586524 (VCV002586524.5), dbSNP rs762411631, ClinGen allele CA349520398.

ClinVar aggregate classification (germline): Likely pathogenic. Review status: criteria provided, multiple submitters, no conflicts (2 of 4 stars). 2 submissions from 2 submitters: Likely pathogenic (2). Last evaluated 2023-10-04.

Conditions:
Dilated cardiomyopathy 1G (CMD1G). Identifiers: Orphanet 154, MedGen C1858763, MONDO:0011400, OMIM 604145.
Autosomal recessive limb-girdle muscular dystrophy type 2J (LGMDR10). Also called: Limb-girdle muscular dystrophy, type 2J; MUSCULAR DYSTROPHY, LIMB-GIRDLE, AUTOSOMAL RECESSIVE 10. Identifiers: Orphanet 140922, MedGen C1837342, MONDO:0012127, OMIM 608807.
Cardiovascular phenotype. Identifiers: MedGen CN230736.

Submissions (2):

Labcorp Genetics (formerly Invitae), Labcorp
Classification: Likely pathogenic for Dilated cardiomyopathy 1G; Autosomal recessive limb-girdle muscular dystrophy type 2J. Last evaluated: 2023-10-04. Review status: criteria provided, single submitter. Criteria: Invitae Variant Classification Sherloc (09022015). Collection method: clinical testing. Allele origin: germline.
Comment: This sequence change creates a premature translational stop signal (p.Tyr29726*) in the TTN gene. While this is not anticipated to result in nonsense mediated decay, it is expected to create a truncated TTN protein. This variant is not present in population databases (gnomAD no frequency). This variant has not been reported in the literature in individuals affected with TTN-related conditions. This variant is located in the A band of TTN (PMID: 25589632). Truncating variants in this region are significantly overrepresented in patients affected with dilated cardiomyopathy (PMID: 25589632). Truncating variants in this region have also been reported in individuals affected with autosomal recessive centronuclear myopathy (PMID: 23975875). In summary, the currently available evidence indicates that the variant is pathogenic, but additional data are needed to prove that conclusively. Therefore, this variant has been classified as Likely Pathogenic.

Ambry Genetics
Classification: Likely pathogenic for Cardiovascular phenotype. Last evaluated: 2023-07-06. Review status: criteria provided, single submitter. Criteria: Ambry Variant Classification Scheme 2023. Collection method: clinical testing. Allele origin: germline.
Comment: The p.Y20661* variant (also known as c.61983C>G), located in coding exon 160 of the TTN gene, results from a C to G substitution at nucleotide position 61983. This changes the amino acid from a tyrosine to a stop codon within coding exon 160. This exon is located in the A-band region of the N2-B isoform of the titin protein and is constitutively expressed in TTN transcripts (percent spliced in or PSI 100%). This variant is considered to be rare based on population cohorts in the Genome Aggregation Database (gnomAD). This alteration is expected to result in loss of function by premature protein truncation or nonsense-mediated mRNA decay. While truncating variants in TTN are present in 1-3% of the general population, truncating variants in the A-band are the most common cause of dilated cardiomyopathy (DCM) (Herman DS et al. N. Engl. J. Med., 2012 Feb;366:619-28; Roberts AM et al. Sci Transl Med, 2015 Jan;7:270ra6). TTN truncating variants encoded in constitutive exons (PSI >90%) have been found to be significantly associated with DCM regardless of their position in titin (Schafer S et al. Nat. Genet., 2017 01;49:46-53). Based on the majority of available evidence to date, this variant is likely to be pathogenic.

Literature cited by the submitters: PubMed 25589632 (cited by Labcorp Genetics (formerly Invitae), Labcorp); PubMed 23975875 (cited by Labcorp Genetics (formerly Invitae), Labcorp).